The following is an entry in ClinVar:

NM_000466.3(PEX1):c.2175_2176del (p.Gln726fs)

Gene: PEX1 (peroxisomal biogenesis factor 1; minus strand). Cytogenetic location: 7q21.2.
Variant type: Deletion.
Coding change: c.2175_2176del on transcript NM_000466.3 (MANE Select); coding-DNA positions 2175 to 2176, 2 bases deleted (TC; older notation c.2175_2176delTC).
Protein change: p.Gln726fs; shifts the reading frame from glutamine 726.
Molecular consequence: frameshift variant.
Genome position (GRCh38, 1-based): chr7:92,503,091-92,503,092, GA deleted on the plus strand (TC on the coding strand, the reverse complement: PEX1 is on the minus strand); deleting any 2 consecutive bases within chr7:92,503,091-92,503,093 gives the same sequence; the c. name uses the placement nearest the transcript's 3' end. VCF-style (leftmost placement, unchanged base first): chr7-92503090-TGA-T. GRCh37 (hg19) VCF-style: chr7-92132404-TGA-T.
Other names: c.2004_2005del, p.Gln669fs (NM_001282677.2); c.1551_1552del, p.Gln518fs (NM_001282678.2); short protein forms Q726fs, Q518fs, Q669fs.
Identifiers: ClinVar variation 2842894 (VCV002842894.3), dbSNP rs2484664869, ClinGen allele CA2739265480.
Genomic context (GRCh38, chr7:92,503,090, plus strand): 5'-TAGTGTATTACCTGATTAGGAGGCTGAATGTGTTGGACGCACTGAAATATGTGAACTCCT[TGA>T]GCAGAAACAAGTAAAGGATGTAGAGATTGCTGAGACTGACTTGTGGCAATCAGTGCAACC-3'

ClinVar aggregate classification (germline): Pathogenic (1 of 4 stars; one submission).

Conditions:
Zellweger spectrum disorders (ZS). Also called: Zellweger syndrome; Zellweger Spectrum Disorder; Zellweger Spectrum; Zellweger Spectrum Disorder (ZSD). Identifiers: Orphanet 912, MedGen C0043459, MONDO:0019609.

Submission:

Labcorp Genetics (formerly Invitae), Labcorp
Classification: Pathogenic for Zellweger spectrum disorders. Last evaluated: 2023-03-04. Review status: criteria provided, single submitter. Criteria: Invitae Variant Classification Sherloc (09022015). Collection method: clinical testing. Allele origin: germline.
Comment: This sequence change creates a premature translational stop signal (p.Gln726Argfs*15) in the PEX1 gene. It is expected to result in an absent or disrupted protein product. Loss-of-function variants in PEX1 are known to be pathogenic (PMID: 9398847, 16086329, 16141001, 21031596, 26387595, 31831025). This variant is not present in population databases (gnomAD no frequency). This variant has not been reported in the literature in individuals affected with PEX1-related conditions. For these reasons, this variant has been classified as Pathogenic.

Literature cited by the submitters: PubMed 9398847; PubMed 16086329; PubMed 16141001; PubMed 21031596; PubMed 26387595; PubMed 31831025.